The following is an entry in ClinVar:

ClinVar aggregate classification (germline): Uncertain significance (1 of 4 stars; one submission).

Allele frequency attached by ClinVar (database versions not stated): ExAC 0.00001; TOPMed 0.00002; gnomAD exomes 0.00001; gnomAD 0.00003.
gnomAD v4.1: 19 of 1,613,954 alleles (0.0012%); highest among the groups gnomAD compares: Admixed American, 0.0083%; no homozygotes.

Submission:

Labcorp Genetics (formerly Invitae), Labcorp
Classification: Uncertain significance. Last evaluated: 2023-11-25. Review status: criteria provided, single submitter. Criteria: Invitae Variant Classification Sherloc (09022015). Collection method: clinical testing. Allele origin: germline.
Comment: This sequence change replaces arginine, which is basic and polar, with tryptophan, which is neutral and slightly polar, at codon 359 of the XYLT2 protein (p.Arg359Trp). This variant is present in population databases (rs752699422, gnomAD 0.009%). This variant has not been reported in the literature in individuals affected with XYLT2-related conditions. Advanced modeling of protein sequence and biophysical properties (such as structural, functional, and spatial information, amino acid conservation, physicochemical variation, residue mobility, and thermodynamic stability) performed at Invitae indicates that this missense variant is expected to disrupt XYLT2 protein function with a positive predictive value of 80%. In summary, the available evidence is currently insufficient to determine the role of this variant in disease. Therefore, it has been classified as a Variant of Uncertain Significance.

NM_022167.4(XYLT2):c.1075C>T (p.Arg359Trp)

Gene: XYLT2 (xylosyltransferase 2; plus strand). Cytogenetic location: 17q21.33.
Variant type: single nucleotide variant.
Coding change: c.1075C>T on transcript NM_022167.4 (MANE Select); coding-DNA position 1075, C replaced by T.
Protein change: p.Arg359Trp; replaces arginine 359 with tryptophan.
Molecular consequence: missense variant.
Genome position (GRCh38, 1-based): chr17:50,355,568, C>T. VCF-style: chr17-50355568-C-T. GRCh37 (hg19) VCF-style: chr17-48432929-C-T.
Other names: short protein forms R359W.
Identifiers: ClinVar variation 2892431 (VCV002892431.3), dbSNP rs752699422, ClinGen allele CA8646355.